The following is an entry in ClinVar:

ClinVar aggregate classification (germline): Pathogenic/Likely pathogenic. Review status: criteria provided, multiple submitters, no conflicts (2 of 4 stars). 4 submissions from 4 submitters: Pathogenic (3); Likely pathogenic (1). Last evaluated 2025-06-17.

Conditions:
Hereditary breast ovarian cancer syndrome. Also called: Hereditary breast and ovarian cancer syndrome (HBOC); Breast and ovarian cancer; Hereditary breast and ovarian cancer syndrome; Hereditary breast and/or ovarian cancer syndrome; BRCA1- and BRCA2-Associated Hereditary Breast and Ovarian Cancer; Hereditary breast and ovarian cancer. Identifiers: Orphanet 145, MedGen C0677776, MeSH D061325, MONDO:0003582. Disease mechanism: loss of function.
Breast and/or ovarian cancer. Identifiers: MedGen CN221562.
Wilms tumor 1 (WT1). Also called: Wilms tumor, somatic. Identifiers: Orphanet 654, MedGen CN033288, MONDO:0008679, OMIM 194070.
Glioma susceptibility 3 (GLM3). Also called: Glioblastoma 3. Identifiers: Orphanet 182067, Orphanet 360, MedGen C2751641, MONDO:0013093, OMIM 613029.
Medulloblastoma (MDB). Also called: MEDULLOBLASTOMA PREDISPOSITION SYNDROME; Medulloblastoma, somatic. Identifiers: Orphanet 616, MedGen C0025149, MeSH D008527, MONDO:0007959, OMIM 155255, HP:0002885.
Breast-ovarian cancer, familial, susceptibility to, 2 (BROVCA2). Also called: BRCA2 Hereditary Breast and Ovarian Cancer. Identifiers: Orphanet 145, MedGen C2675520, MONDO:0012933, OMIM 612555. Disease mechanism: loss of function.
Familial prostate cancer. Also called: Hereditary Prostate Cancer. Identifiers: MedGen C2931456, MONDO:0700275, OMIM 176807.
Familial cancer of breast. Also called: BREAST CANCER, FAMILIAL; Hereditary breast cancer; hereditary breast carcinoma. Identifiers: Orphanet 227535, MedGen C0346153, MONDO:0016419, OMIM 114480. Disease mechanism: loss of function.
Pancreatic cancer, susceptibility to, 2. Identifiers: Orphanet 1333, MedGen C3150546, MONDO:0013235, OMIM 613347.
Fanconi anemia complementation group D1. Also called: BRCA2-Related Fanconi Anemia. Identifiers: Orphanet 319462, MedGen C1838457, MONDO:0011584, OMIM 605724.

Submissions (4):

GeneKor MSA
Classification: Pathogenic for Hereditary breast ovarian cancer syndrome. Last evaluated: 2025-06-17. Review status: criteria provided, single submitter. Criteria: ACMG Guidelines, 2015. Collection method: clinical testing. Allele origin: germline.
Comment: This variant is a single nucleotide deletion in exon 11 of the BRCA2 mRNA c.(6341delC), causing a frameshift after codon 2114 and the creation of a premature translation stop signal 5 amino acid residues later p.(Pro2114Glnfs*5). This is expected to result in an absent or disrupted protein product. Truncating variants in the BRCA2 gene are known to be pathogenic (PMID:20104584). This variant is not present in population databases. ClinVar contains entries for this variant (VCV002076041.5). Based on the classification criteria set by the ACMG and AMP (PMID:25741868), this variant has been classified as pathogenic.

CHEO Genetics Diagnostic Laboratory, Children's Hospital of Eastern Ontario
Classification: Likely pathogenic for Breast and/or ovarian cancer. Last evaluated: 2022-10-13. Review status: criteria provided, single submitter. Criteria: ACMG Guidelines, 2015. Collection method: clinical testing. Allele origin: germline.

Labcorp Genetics (formerly Invitae), Labcorp
Classification: Pathogenic for Hereditary breast ovarian cancer syndrome. Last evaluated: 2022-06-19. Review status: criteria provided, single submitter. Criteria: Invitae Variant Classification Sherloc (09022015). Collection method: clinical testing. Allele origin: germline.
Comment: This sequence change creates a premature translational stop signal (p.Pro2114Glnfs*5) in the BRCA2 gene. It is expected to result in an absent or disrupted protein product. Loss-of-function variants in BRCA2 are known to be pathogenic (PMID: 20104584). This variant is not present in population databases (gnomAD no frequency). For these reasons, this variant has been classified as Pathogenic. This variant has not been reported in the literature in individuals affected with BRCA2-related conditions.

Department of Pathology and Laboratory Medicine, Sinai Health System
Classification: Pathogenic for Familial cancer of breast; Medulloblastoma; Familial prostate cancer; Wilms tumor 1; Fanconi anemia complementation group D1; Breast-ovarian cancer, familial, susceptibility to, 2; Glioma susceptibility 3; Pancreatic cancer, susceptibility to, 2. Last evaluated: 2019-10-21. Review status: criteria provided, single submitter. Criteria: ACMG Guidelines, 2015. Collection method: clinical testing. Allele origin: germline.

Literature cited by the submitters: PubMed 20104584 (cited by GeneKor MSA and Labcorp Genetics (formerly Invitae), Labcorp).

NM_000059.4(BRCA2):c.6341del (p.Pro2114fs)

Gene: BRCA2 (BRCA2 DNA repair associated; plus strand). Cytogenetic location: 13q13.1.
Variant type: Deletion.
Coding change: c.6341del on transcript NM_000059.4 (MANE Select); coding-DNA position 6341, one base deleted (C; older notation c.6341delC).
Protein change: p.Pro2114fs; shifts the reading frame from proline 2114.
Molecular consequence: frameshift variant.
Genome position (GRCh38, 1-based): chr13:32,340,696, C deleted; the last of 3 consecutive C bases (chr13:32,340,694-32,340,696); deleting any one gives the same sequence. VCF-style (leftmost placement, unchanged base first): chr13-32340693-AC-A. GRCh37 (hg19) VCF-style: chr13-32914830-AC-A.
Other names: c.6341delC (NM_000059.4); c.6341delC, p.Pro2114Glnfs (NM_000059.3, NM_001406719.1, NM_001406720.1); short protein forms P2114fs.
Identifiers: ClinVar variation 2076041 (VCV002076041.7), dbSNP rs886040651, ClinGen allele CA2580087891.
Genomic context (GRCh38, chr13:32,340,693, plus strand): 5'-ACTATTCACCTACGTCTAGACAAAATGTATCAAAAATACTTCCTCGTGTTGATAAGAGAA[AC>A]CCAGAGCACTGTGTAAACTCAGAAATGGAAAAAACCTGCAGTAAAGAATTTAAATTATCA-3'